The following is an entry in ClinVar:

ClinVar aggregate classification (germline): Uncertain significance. Review status: criteria provided, multiple submitters, no conflicts (2 of 4 stars). 4 submissions from 4 submitters: Uncertain significance (3). 1 of the submissions does not count toward it. Last evaluated 2024-12-17.

Conditions:
DMD-related disorder. Also called: DMD-related condition.
Cardiovascular phenotype. Identifiers: MedGen CN230736.
Cardiomyopathy (CMYO). Also called: Cardiomyopathies. Identifiers: Orphanet 167848, MedGen C0878544, MONDO:0004994, HP:0001638. Inheritance: Various modes of inheritance.
Becker muscular dystrophy (BMD). Also called: MUSCULAR DYSTROPHY, PSEUDOHYPERTROPHIC PROGRESSIVE, BECKER TYPE; Becker Muscular Dystrophy (BMD). Identifiers: Orphanet 98895, MedGen C0917713, MONDO:0010311, OMIM 300376.
Duchenne muscular dystrophy (DMD). Also called: Duchenne Muscular Dystrophy (DMD); MUSCULAR DYSTROPHY, PSEUDOHYPERTROPHIC PROGRESSIVE, DUCHENNE TYPE. Identifiers: Orphanet 98896, MedGen C0013264, MONDO:0010679, OMIM 310200.
Dystrophin deficiency.

Allele frequency attached by ClinVar (database versions not stated): ExAC 0.00001; gnomAD 0.00002; TOPMed 0.00003.

Submissions (4):

Labcorp Genetics (formerly Invitae), Labcorp
Classification: Uncertain significance for Duchenne muscular dystrophy. Last evaluated: 2024-12-17. Review status: criteria provided, single submitter. Criteria: Invitae Variant Classification Sherloc (09022015). Collection method: clinical testing. Allele origin: germline.
Comment: This sequence change replaces leucine, which is neutral and non-polar, with proline, which is neutral and non-polar, at codon 1797 of the DMD protein (p.Leu1797Pro). This variant is not present in population databases (gnomAD no frequency). This variant has not been reported in the literature in individuals affected with DMD-related conditions. ClinVar contains an entry for this variant (Variation ID: 264304). Invitae Evidence Modeling of protein sequence and biophysical properties (such as structural, functional, and spatial information, amino acid conservation, physicochemical variation, residue mobility, and thermodynamic stability) indicates that this missense variant is not expected to disrupt DMD protein function with a negative predictive value of 95%. In summary, the available evidence is currently insufficient to determine the role of this variant in disease. Therefore, it has been classified as a Variant of Uncertain Significance.

PreventionGenetics, part of Exact Sciences
Classification: Uncertain significance for DMD-related condition. Last evaluated: 2023-05-05. Review status: criteria provided, single submitter. Criteria: ACMG Guidelines, 2015. Collection method: clinical testing. Allele origin: germline.
Comment: The DMD c.5390T>C variant is predicted to result in the amino acid substitution p.Leu1797Pro. To our knowledge, this variant has not been reported in the literature or in a large population database, indicating this variant is rare. At this time, the clinical significance of this variant is uncertain due to the absence of conclusive functional and genetic evidence.

Ambry Genetics
Classification: Uncertain significance for Cardiovascular phenotype. Last evaluated: 2015-08-13. Review status: criteria provided, single submitter. Criteria: Ambry Variant Classification Scheme 2023. Collection method: clinical testing. Allele origin: germline.
Comment: The p.L1797P variant (also known as c.5390T>C), located in coding exon 38 of the DMD gene, results from a T to C substitution at nucleotide position 5390. The leucine at codon 1797 is replaced by proline, an amino acid with similar properties. This variant was not reported in population based cohorts in the following databases: Database of Single Nucleotide Polymorphisms (dbSNP), NHLBI Exome Sequencing Project (ESP), and 1000 Genomes Project. In the ESP, this variant was not observed in 6500 samples with coverage at this position. This amino acid position is highly conserved in available vertebrate species. In addition, this alteration is predicted to be deleterious by in silico analysis. Since supporting evidence is limited at this time, the clinical significance of this variant remains unclear.

Natera, Inc.
Classification: Uncertain significance for Becker muscular dystrophy; Cardiomyopathy; Duchenne muscular dystrophy; Dystrophin deficiency. Last evaluated: 2018-06-01. Review status: no assertion criteria provided. Collection method: clinical testing. Allele origin: germline. Not counted in ClinVar's aggregate classification.

NM_004006.3(DMD):c.5390T>C (p.Leu1797Pro)

Gene: DMD (dystrophin; minus strand). Cytogenetic location: Xp21.1.
Variant type: single nucleotide variant.
Coding change: c.5390T>C on transcript NM_004006.3 (MANE Select); coding-DNA position 5390, T replaced by C.
Protein change: p.Leu1797Pro; replaces leucine 1797 with proline.
Molecular consequence: missense variant.
Genome position (GRCh38, 1-based): chrX:32,348,464, A>G on the plus strand (T>C on the coding strand, the complement: DMD is on the minus strand). VCF-style: chrX-32348464-A-G. GRCh37 (hg19) VCF-style: chrX-32366581-A-G.
Other names: c.5366T>C, p.Leu1789Pro (NM_000109.4); c.5378T>C, p.Leu1793Pro (NM_004009.3); c.5021T>C, p.Leu1674Pro (NM_004010.3); c.1367T>C, p.Leu456Pro (NM_004011.4); c.1358T>C, p.Leu453Pro (NM_004012.4); short protein forms L1797P, L1674P, L1793P, L456P, L1789P, L453P.
Identifiers: ClinVar variation 264304 (VCV000264304.12), dbSNP rs750303298, ClinGen allele CA10378704.
Genomic context (GRCh38, chrX:32,348,464, plus strand): 5'-ACCATATCTTTATTGAAGTCTTCCTCTTTCAGATTCACCCCCTGCTGAATTTCAGCCTCC[A>G]GTGGTTCAAGCAATTTTTGTATATCTGAGTTAAACTGCTCCAATTCCTTCAAAGGAATGG-3'
Protein context (NP_003997.2, residues 1787-1807): NSDIQKLLEP[Leu1797Pro]EAEIQQGVNL